The following is an entry in ClinVar:

ClinVar aggregate classification (germline): Uncertain significance (1 of 4 stars; one submission).

Conditions:
MCM2-related disorder. Also called: MCM2-related condition.

gnomAD v4.1: 5 of 1,613,134 alleles (0.00031%); highest among the groups gnomAD compares: Non-Finnish European, 0.00042%; no homozygotes.

Submission:

PreventionGenetics, part of Exact Sciences
Classification: Uncertain significance for MCM2-related condition. Last evaluated: 2023-07-14. Review status: criteria provided, single submitter. Criteria: ACMG Guidelines, 2015. Collection method: clinical testing. Allele origin: germline.
Comment: The MCM2 c.445C>G variant is predicted to result in the amino acid substitution p.Arg149Gly. To our knowledge, this variant has not been reported in the literature. This variant is reported in 0.0063% of alleles in individuals of African descent in gnomAD. At this time, the clinical significance of this variant is uncertain due to the absence of conclusive functional and genetic evidence.

NM_004526.4(MCM2):c.445C>G (p.Arg149Gly)

Gene: MCM2 (minichromosome maintenance complex component 2; plus strand). Cytogenetic location: 3q21.3.
Variant type: single nucleotide variant.
Coding change: c.445C>G on transcript NM_004526.4 (MANE Select); coding-DNA position 445, C replaced by G.
Protein change: p.Arg149Gly; replaces arginine 149 with glycine.
Molecular consequence: missense variant. On other transcripts: non-coding transcript variant (1).
Genome position (GRCh38, 1-based): chr3:127,604,928, C>G. VCF-style: chr3-127604928-C-G. GRCh37 (hg19) VCF-style: chr3-127323771-C-G.
Other names: short protein forms R149G.
Identifiers: ClinVar variation 2631661 (VCV002631661.1), dbSNP rs769924051, ClinGen allele CA2595587.